The following is an entry in ClinVar:

ClinVar aggregate classification (germline): Likely benign (0 of 4 stars; one submission).

Conditions:
SPTBN5-related disorder. Also called: SPTBN5-related condition.

Allele frequency attached by ClinVar (database versions not stated): gnomAD exomes below 0.00001; ExAC 0.00003; gnomAD 0.00004; TOPMed 0.00005.
gnomAD v4.1: 8 of 1,612,478 alleles (0.0005%); highest among the groups gnomAD compares: African/African-American, 0.011%; no homozygotes.

Submission:

PreventionGenetics, part of Exact Sciences
Classification: Likely benign for SPTBN5-related condition. Last evaluated: 2019-05-03. Review status: no assertion criteria provided. Collection method: clinical testing. Allele origin: germline.
Comment: This variant is classified as likely benign based on ACMG/AMP sequence variant interpretation guidelines (Richards et al. 2015 PMID: 25741868, with internal and published modifications).

NM_016642.4(SPTBN5):c.1659+9T>G

Gene: SPTBN5 (spectrin beta, non-erythrocytic 5; minus strand). Cytogenetic location: 15q15.1.
Variant type: single nucleotide variant.
Coding change: c.1659+9T>G on transcript NM_016642.4 (MANE Select); 9 bases into the intron after coding-DNA position 1659, T replaced by G.
Molecular consequence: intron variant.
Genome position (GRCh38, 1-based): chr15:41,883,339, A>C on the plus strand (T>G on the coding strand, the complement: SPTBN5 is on the minus strand). VCF-style: chr15-41883339-A-C. GRCh37 (hg19) VCF-style: chr15-42175537-A-C.
Identifiers: ClinVar variation 3037860 (VCV003037860.2), dbSNP rs768895183, ClinGen allele CA7504123.